The following is an entry in ClinVar:

ClinVar aggregate classification (germline): Uncertain significance. Review status: criteria provided, multiple submitters, no conflicts (2 of 4 stars). 3 submissions from 3 submitters: Uncertain significance (3). Last evaluated 2024-08-05.

Conditions:
Hermansky-Pudlak syndrome 6 (HPS6). Identifiers: Orphanet 231512, Orphanet 79430, MedGen C3888007, MONDO:0013558, OMIM 614075.
Inborn genetic diseases. Identifiers: MedGen C0950123, MeSH D030342.

Allele frequency attached by ClinVar (database versions not stated): TOPMed 0.00006; gnomAD 0.00007; gnomAD exomes 0.00010 and 0.00014; ESP Exome Variant Server 0.00015; ExAC 0.00023.
gnomAD v4.1: 151 of 1,613,404 alleles (0.0094%); highest among the groups gnomAD compares: Non-Finnish European, 0.012%; no homozygotes.

Submissions (3):

Ambry Genetics
Classification: Uncertain significance for Inborn genetic diseases. Last evaluated: 2024-08-05. Review status: criteria provided, single submitter. Criteria: Ambry Variant Classification Scheme 2023. Collection method: clinical testing. Allele origin: germline.

Labcorp Genetics (formerly Invitae), Labcorp
Classification: Uncertain significance. Last evaluated: 2022-07-05. Review status: criteria provided, single submitter. Criteria: Invitae Variant Classification Sherloc (09022015). Collection method: clinical testing. Allele origin: germline.
Comment: This sequence change replaces valine, which is neutral and non-polar, with methionine, which is neutral and non-polar, at codon 212 of the HPS6 protein (p.Val212Met). This variant is present in population databases (rs375789510, gnomAD 0.03%). This variant has not been reported in the literature in individuals affected with HPS6-related conditions. ClinVar contains an entry for this variant (Variation ID: 877636). Algorithms developed to predict the effect of missense changes on protein structure and function are either unavailable or do not agree on the potential impact of this missense change (SIFT: "Deleterious"; PolyPhen-2: "Possibly Damaging"; Align-GVGD: "Class C0"). In summary, the available evidence is currently insufficient to determine the role of this variant in disease. Therefore, it has been classified as a Variant of Uncertain Significance.

Illumina Laboratory Services, Illumina
Classification: Uncertain significance for Hermansky-Pudlak syndrome 6. Last evaluated: 2018-01-13. Review status: criteria provided, single submitter. Criteria: ICSL Variant Classification Criteria 13 December 2019. Collection method: clinical testing. Allele origin: germline.

NM_024747.6(HPS6):c.634G>A (p.Val212Met)

Gene: HPS6 (HPS6 biogenesis of lysosomal organelles complex 2 subunit 3; plus strand). Cytogenetic location: 10q24.32.
Variant type: single nucleotide variant.
Coding change: c.634G>A on transcript NM_024747.6 (MANE Select); coding-DNA position 634, G replaced by A.
Protein change: p.Val212Met; replaces valine 212 with methionine.
Molecular consequence: missense variant.
Genome position (GRCh38, 1-based): chr10:102,066,108, G>A. VCF-style: chr10-102066108-G-A. GRCh37 (hg19) VCF-style: chr10-103825865-G-A.
Other names: short protein forms V212M.
Identifiers: ClinVar variation 877636 (VCV000877636.8), dbSNP rs375789510, ClinGen allele CA5659821.